The following is an entry in ClinVar:

NM_013314.4(BLNK):c.101A>C (p.Asn34Thr)

Gene: BLNK (B cell linker; minus strand). Cytogenetic location: 10q24.1.
Variant type: single nucleotide variant.
Coding change: c.101A>C on transcript NM_013314.4 (MANE Select); coding-DNA position 101, A replaced by C.
Protein change: p.Asn34Thr; replaces asparagine 34 with threonine.
Molecular consequence: missense variant. On other transcripts: non-coding transcript variant (4).
Genome position (GRCh38, 1-based): chr10:96,246,996, T>G on the plus strand (A>C on the coding strand, the complement: BLNK is on the minus strand). VCF-style: chr10-96246996-T-G. GRCh37 (hg19) VCF-style: chr10-98006752-T-G.
Other names: c.101A>C, p.Asn34Thr (NM_001114094.2, NM_001258440.2, NM_001258441.2 and 1 more transcripts); short protein forms N34T.
Identifiers: ClinVar variation 3653265 (VCV003653265.2).

ClinVar aggregate classification (germline): Uncertain significance (1 of 4 stars; one submission).

Conditions:
Agammaglobulinemia 4, autosomal recessive (AGM4). Also called: AGAMMAGLOBULINEMIA, AUTOSOMAL RECESSIVE, DUE TO BLNK DEFECT; B cell linker protein deficiency. Identifiers: MedGen C3150752, MONDO:0013289, OMIM 613502.

Submission:

Labcorp Genetics (formerly Invitae), Labcorp
Classification: Uncertain significance for Agammaglobulinemia 4, autosomal recessive. Last evaluated: 2024-07-05. Review status: criteria provided, single submitter. Criteria: Invitae Variant Classification Sherloc (09022015). Collection method: clinical testing. Allele origin: germline.
Comment: This sequence change replaces asparagine, which is neutral and polar, with threonine, which is neutral and polar, at codon 34 of the BLNK protein (p.Asn34Thr). This variant is not present in population databases (gnomAD no frequency). This variant has not been reported in the literature in individuals affected with BLNK-related conditions. An algorithm developed to predict the effect of missense changes on protein structure and function (PolyPhen-2) suggests that this variant is likely to be tolerated. In summary, the available evidence is currently insufficient to determine the role of this variant in disease. Therefore, it has been classified as a Variant of Uncertain Significance.